The following is an entry in ClinVar:

ClinVar aggregate classification (germline): Pathogenic (1 of 4 stars; one submission).

Allele frequency attached by ClinVar (database versions not stated): gnomAD 0.00001; TOPMed 0.00001.

Submission:

Labcorp Genetics (formerly Invitae), Labcorp
Classification: Pathogenic. Last evaluated: 2021-06-16. Review status: criteria provided, single submitter. Criteria: Invitae Variant Classification Sherloc (09022015). Collection method: clinical testing. Allele origin: germline.
Comment: For these reasons, this variant has been classified as Pathogenic. This variant has not been reported in the literature in individuals with AP3B2-related conditions. This sequence change creates a premature translational stop signal (p.Glu9*) in the AP3B2 gene. It is expected to result in an absent or disrupted protein product. Loss-of-function variants in AP3B2 are known to be pathogenic (PMID: 27889060). The frequency data for this variant in the population databases is considered unreliable, as metrics indicate insufficient coverage at this position in the ExAC database.

Literature cited by the submitters: PubMed 27889060.

NM_001278512.2(AP3B2):c.25G>T (p.Glu9Ter)

Gene: AP3B2 (adaptor related protein complex 3 subunit beta 2; minus strand). Cytogenetic location: 15q25.2.
Variant type: single nucleotide variant.
Coding change: c.25G>T on transcript NM_001278512.2 (MANE Select); coding-DNA position 25, G replaced by T.
Protein change: p.Glu9Ter; replaces glutamic acid 9 with a stop codon.
Molecular consequence: nonsense.
Genome position (GRCh38, 1-based): chr15:82,709,682, C>A on the plus strand (G>T on the coding strand, the complement: AP3B2 is on the minus strand). VCF-style: chr15-82709682-C-A. GRCh37 (hg19) VCF-style: chr15-83378434-C-A.
Other names: c.25G>T, p.Glu9Ter (NM_001278511.2, NM_001348440.2, NM_004644.5); short protein forms E9*.
Identifiers: ClinVar variation 1454093 (VCV001454093.6), dbSNP rs1485425659, ClinGen allele CA393307830.